The following is an entry in ClinVar:

NM_018062.4(FANCL):c.*95A>G

Genes: VRK2 (VRK serine/threonine kinase 2; plus strand), FANCL (FA complementation group L; minus strand). Cytogenetic location: 2p16.1.
Variant type: single nucleotide variant.
Coding change: c.*95A>G on transcript NM_018062.4 (MANE Select); 95 bases downstream of the stop codon, A replaced by G.
Molecular consequence: 3 prime UTR variant. On other transcripts: missense variant (7).
Genome position (GRCh38, 1-based): chr2:58,159,670, T>C on the plus strand (A>G on the coding strand, the complement: FANCL is on the minus strand). VCF-style: chr2-58159670-T-C. GRCh37 (hg19) VCF-style: chr2-58386805-T-C.
Other names: c.*95A>G (NM_001114636.2, NM_001374615.1, NM_001410792.1); c.1504T>C, p.Phe502Leu (NM_001130480.2, NM_001130481.2, NM_001288837.2 and 1 more transcripts); c.1435T>C, p.Phe479Leu (NM_001130482.2); c.*362T>C (NM_001130483.2, NM_001288838.2); c.1150T>C, p.Phe384Leu (NM_001288836.1, NM_001288839.2); short protein forms F384L, F502L, F479L.
Identifiers: ClinVar variation 896728 (VCV000896728.7), dbSNP rs76348639, ClinGen allele CA1670258.

ClinVar aggregate classification (germline): Benign/Likely benign. Review status: criteria provided, multiple submitters, no conflicts (2 of 4 stars). 3 submissions from 3 submitters: Benign (1); Likely benign (2). Last evaluated 2019-06-10.

Conditions:
Fanconi anemia complementation group L (FANCL). Also called: FANCL-Related Fanconi Anemia. Identifiers: Orphanet 84, MedGen C3469528, MONDO:0013566, OMIM 614083.

Allele frequency attached by ClinVar (database versions not stated): gnomAD exomes 0.00074 and 0.00193; ExAC 0.00240; gnomAD 0.00706 and 0.00754; ESP Exome Variant Server 0.00715; 1000 Genomes Project 0.00759; TOPMed 0.00817; 1000 Genomes Project 30x 0.00890.
gnomAD v4.1: 2,207 of 1,612,846 alleles (0.14%); highest among the groups gnomAD compares: African/African-American, 2.5%; 26 homozygotes.

Submissions (3):

GeneDx
Classification: Likely benign. Last evaluated: 2019-06-10. Review status: criteria provided, single submitter. Criteria: GeneDx Variant Classification Process June 2021. Collection method: clinical testing. Allele origin: germline. Affected: yes.

Illumina Laboratory Services, Illumina
Classification: Benign for Fanconi anemia complementation group L. Last evaluated: 2018-01-12. Review status: criteria provided, single submitter. Criteria: ICSL Variant Classification Criteria 13 December 2019. Collection method: clinical testing. Allele origin: germline.
Comment: This variant was observed in the ICSL laboratory as part of a predisposition screen in an ostensibly healthy population. It had not been previously curated by ICSL or reported in the Human Gene Mutation Database (HGMD: prior to June 1st, 2018), and was therefore a candidate for classification through an automated scoring system. Utilizing variant allele frequency, disease prevalence and penetrance estimates, and inheritance mode, an automated score was calculated to assess if this variant is too frequent to cause the disease. Based on the score and internal cut-off values, a variant classified as benign is not then subjected to further curation. The score for this variant resulted in a classification of benign for this disease.

Breakthrough Genomics
Classification: Likely benign. Review status: criteria provided, single submitter. Criteria: ACMG Guidelines, 2015. Collection method: not provided. Allele origin: germline. Inheritance: Autosomal recessive inheritance. Affected: yes.